The following is an entry in ClinVar:

NM_032806.6(POMGNT2):c.264C>T (p.Asn88=)

Gene: POMGNT2 (protein O-linked mannose N-acetylglucosaminyltransferase 2 (beta 1,4-); minus strand). Cytogenetic location: 3p22.1.
Variant type: single nucleotide variant.
Coding change: c.264C>T on transcript NM_032806.6 (MANE Select); coding-DNA position 264, C replaced by T.
Protein change: p.Asn88=; no amino-acid change (asparagine 88 retained).
Molecular consequence: synonymous variant.
Genome position (GRCh38, 1-based): chr3:43,081,168, G>A on the plus strand (C>T on the coding strand, the complement: POMGNT2 is on the minus strand). VCF-style: chr3-43081168-G-A. GRCh37 (hg19) VCF-style: chr3-43122660-G-A.
Other names: c.264C>T (NM_032806.5).
Identifiers: ClinVar variation 1088095 (VCV001088095.10), dbSNP rs572228301, ClinGen allele CA2340114.

ClinVar aggregate classification (germline): Likely benign. Review status: criteria provided, multiple submitters, no conflicts (2 of 4 stars). 3 submissions from 3 submitters: Likely benign (2). 1 of the submissions does not count toward it. Last evaluated 2025-07-07.

Conditions:
POMGNT2-related disorder. Also called: POMGNT2-related condition.
Muscular dystrophy-dystroglycanopathy (congenital with brain and eye anomalies), type a, 8 (MDDGA8). Also called: WALKER-WARBURG SYNDROME OR MUSCLE-EYE-BRAIN DISEASE, GTDC2-RELATED. Identifiers: Orphanet 899, MedGen C3553813, MONDO:0013904, OMIM 614830.

Allele frequency attached by ClinVar (database versions not stated): gnomAD 0.00001 and 0.00003; TOPMed 0.00001.
gnomAD v4.1: 23 of 1,614,222 alleles (0.0014%); highest among the groups gnomAD compares: Middle Eastern, 0.066%; no homozygotes.

Submissions (3):

Labcorp Genetics (formerly Invitae), Labcorp
Classification: Likely benign for Muscular dystrophy-dystroglycanopathy (congenital with brain and eye anomalies), type a, 8. Last evaluated: 2025-07-07. Review status: criteria provided, single submitter. Criteria: Invitae Variant Classification Sherloc (09022015). Collection method: clinical testing. Allele origin: germline.

Breakthrough Genomics
Classification: Likely benign. Review status: criteria provided, single submitter. Criteria: ACMG Guidelines, 2015. Collection method: not provided. Allele origin: germline. Inheritance: Autosomal recessive inheritance. Affected: yes.

PreventionGenetics, part of Exact Sciences
Classification: Likely benign for POMGNT2-related condition. Last evaluated: 2021-06-22. Review status: no assertion criteria provided. Collection method: clinical testing. Allele origin: germline. Not counted in ClinVar's aggregate classification.
Comment: This variant is classified as likely benign based on ACMG/AMP sequence variant interpretation guidelines (Richards et al. 2015 PMID: 25741868, with internal and published modifications).